The following is an entry in ClinVar:

ClinVar aggregate classification (germline): Uncertain significance (1 of 4 stars; one submission).

Conditions:
Breast-ovarian cancer, familial, susceptibility to, 3. Also called: RAD51C-Related Breast/Ovarian Cancer. Identifiers: Orphanet 145, MedGen C3150659, MONDO:0013253, OMIM 613399.

Submission:

St. Jude Molecular Pathology, St. Jude Children's Research Hospital
Classification: Uncertain significance for Breast-ovarian cancer, familial, susceptibility to, 3. Last evaluated: 2026-02-20. Review status: criteria provided, single submitter. Criteria: St. Jude Assertion Criteria 2020. Collection method: clinical testing. Allele origin: germline.
Comment: The RAD51C c.410A>G p.(Gln137Arg) missense change is absent in gnomAD v2.1.1. The in silico tool REVEL is inconclusive about a pathogenic or benign effect of this variant on protein function, and to our knowledge functional studies have not been performed. In one family, this variant has been reported in one individual with a personal history of breast cancer as well as one unaffected individual (PMID: 35039523). In summary, the evidence currently available is insufficient to determine the clinical significance of this variant. It has therefore been classified as of uncertain significance.

NM_058216.3(RAD51C):c.410A>G (p.Gln137Arg)

Gene: RAD51C (RAD51 paralog C; plus strand). Cytogenetic location: 17q22.
Variant type: single nucleotide variant.
Coding change: c.410A>G on transcript NM_058216.3 (MANE Select); coding-DNA position 410, A replaced by G.
Protein change: p.Gln137Arg; replaces glutamine 137 with arginine.
Molecular consequence: missense variant.
Genome position (GRCh38, 1-based): chr17:58,696,698, A>G. VCF-style: chr17-58696698-A-G. GRCh37 (hg19) VCF-style: chr17-56774059-A-G.
Other names: short protein forms Q137R.
Identifiers: ClinVar variation 4813194 (VCV004813194.1).